The following is an entry in ClinVar:

ClinVar aggregate classification (germline): Uncertain significance (1 of 4 stars; one submission).

Conditions:
Hereditary hyperekplexia. Identifiers: Orphanet 3197, MedGen C4084968, MONDO:0021022.

Submission:

Labcorp Genetics (formerly Invitae), Labcorp
Classification: Uncertain significance for Hereditary hyperekplexia. Last evaluated: 2024-05-15. Review status: criteria provided, single submitter. Criteria: Invitae Variant Classification Sherloc (09022015). Collection method: clinical testing. Allele origin: germline.
Comment: This sequence change affects the initiator methionine of the GLRA1 mRNA. The next in-frame methionine is located at codon 36. This variant is not present in population databases (gnomAD no frequency). This variant has not been reported in the literature in individuals affected with GLRA1-related conditions. ClinVar contains an entry for this variant (Variation ID: 949345). Experimental studies and prediction algorithms are not available or were not evaluated, and the functional significance of this variant is currently unknown. In summary, the available evidence is currently insufficient to determine the role of this variant in disease. Therefore, it has been classified as a Variant of Uncertain Significance.

NM_000171.4(GLRA1):c.1A>G (p.Met1Val)

Gene: GLRA1 (glycine receptor alpha 1; minus strand). Cytogenetic location: 5q33.1.
Variant type: single nucleotide variant.
Coding change: c.1A>G on transcript NM_000171.4 (MANE Select); coding-DNA position 1, A replaced by G.
Protein change: p.Met1Val; changes the start codon (methionine 1).
Molecular consequence: missense variant, initiator codon variant. On other transcripts: 5 prime UTR variant (1).
Genome position (GRCh38, 1-based): chr5:151,924,549, T>C on the plus strand (A>G on the coding strand, the complement: GLRA1 is on the minus strand). VCF-style: chr5-151924549-T-C. GRCh37 (hg19) VCF-style: chr5-151304110-T-C.
Other names: c.1A>G, p.Met1Val (NM_001146040.2); c.-121A>G (NM_001292000.2); short protein forms M1V.
Identifiers: ClinVar variation 949345 (VCV000949345.10), dbSNP rs1754962750, ClinGen allele CA361900046.